The following is an entry in ClinVar:

ClinVar aggregate classification (germline): Uncertain significance (1 of 4 stars; one submission).

gnomAD v4.1: 9 of 1,611,012 alleles (0.00056%); highest among the groups gnomAD compares: African/African-American, 0.0027%; no homozygotes.

Submission:

Labcorp Genetics (formerly Invitae), Labcorp
Classification: Uncertain significance. Last evaluated: 2024-11-19. Review status: criteria provided, single submitter. Criteria: Invitae Variant Classification Sherloc (09022015). Collection method: clinical testing. Allele origin: germline.
Comment: This sequence change replaces arginine, which is basic and polar, with glutamine, which is neutral and polar, at codon 718 of the COMP protein (p.Arg718Gln). This variant is present in population databases (rs149551600, gnomAD 0.006%). This variant has not been reported in the literature in individuals affected with COMP-related conditions. Invitae Evidence Modeling of protein sequence and biophysical properties (such as structural, functional, and spatial information, amino acid conservation, physicochemical variation, residue mobility, and thermodynamic stability) indicates that this missense variant is not expected to disrupt COMP protein function with a negative predictive value of 80%. This variant disrupts the p.Arg718 amino acid residue in COMP. Other variant(s) that disrupt this residue have been determined to be pathogenic (PMID: 12483304, 14684695, 21834907, 21965141). This suggests that this residue is clinically significant, and that variants that disrupt this residue are likely to be disease-causing. In summary, the available evidence is currently insufficient to determine the role of this variant in disease. Therefore, it has been classified as a Variant of Uncertain Significance.

Literature cited by the submitters: PubMed 12483304; PubMed 14684695; PubMed 21834907; PubMed 21965141.

NM_000095.3(COMP):c.2153G>A (p.Arg718Gln)

Gene: COMP (cartilage oligomeric matrix protein; minus strand). Cytogenetic location: 19p13.11.
Variant type: single nucleotide variant.
Coding change: c.2153G>A on transcript NM_000095.3 (MANE Select); coding-DNA position 2153, G replaced by A.
Protein change: p.Arg718Gln; replaces arginine 718 with glutamine.
Molecular consequence: missense variant.
Genome position (GRCh38, 1-based): chr19:18,783,128, C>T on the plus strand (G>A on the coding strand, the complement: COMP is on the minus strand). VCF-style: chr19-18783128-C-T. GRCh37 (hg19) VCF-style: chr19-18893938-C-T.
Other names: short protein forms R718Q.
Identifiers: ClinVar variation 3703798 (VCV003703798.2).
Genomic context (GRCh38, chr19:18,783,128, plus strand): 5'-CGCAGGTTGGCCCAGATGATGTTCTCCTGGGAGAAGCAGAAGACCCCCAGGCGGCCACCC[C>T]GCATGGTTGTGTCCAAGACCACGTTGCTGTCGGCCACCAGCTCAGGGCCCTCATAGAATC-3'
Protein context (NP_000086.2, residues 708-728): DSNVVLDTTM[Arg718Gln]GGRLGVFCFS